The following is an entry in ClinVar:

NM_006612.6(KIF1C):c.2999C>T (p.Pro1000Leu)

Gene: KIF1C (kinesin family member 1C; plus strand). Cytogenetic location: 17p13.2.
Variant type: single nucleotide variant.
Coding change: c.2999C>T on transcript NM_006612.6 (MANE Select); coding-DNA position 2999, C replaced by T.
Protein change: p.Pro1000Leu; replaces proline 1000 with leucine.
Molecular consequence: missense variant.
Genome position (GRCh38, 1-based): chr17:5,023,838, C>T. VCF-style: chr17-5023838-C-T. GRCh37 (hg19) VCF-style: chr17-4927133-C-T.
Other names: short protein forms P1000L.
Identifiers: ClinVar variation 80584 (VCV000080584.7), dbSNP rs267604960, ClinGen allele CA8319450.

ClinVar aggregate classification (germline): Uncertain significance. Review status: criteria provided, multiple submitters, no conflicts (2 of 4 stars). 2 submissions from 2 submitters: Uncertain significance (2). Last evaluated 2023-06-05.

Conditions:
Spastic ataxia 2. Also called: Ataxia, spastic, 2, autosomal recessive. Identifiers: Orphanet 397946, MedGen C1969796, MONDO:0012651, OMIM 611302.
Inborn genetic diseases. Identifiers: MedGen C0950123, MeSH D030342.

Allele frequency attached by ClinVar (database versions not stated): ExAC 0.00001; TOPMed 0.00002; gnomAD 0.00003; gnomAD exomes 0.00003 and 0.00006; ESP Exome Variant Server 0.00008.
gnomAD v4.1: 83 of 1,518,694 alleles (0.0055%); highest among the groups gnomAD compares: Non-Finnish European, 0.007%; no homozygotes.

Submissions (2):

Ambry Genetics
Classification: Uncertain significance for Inborn genetic diseases. Last evaluated: 2023-06-05. Review status: criteria provided, single submitter. Criteria: Ambry Variant Classification Scheme 2023. Collection method: clinical testing. Allele origin: germline.

Labcorp Genetics (formerly Invitae), Labcorp
Classification: Uncertain significance for Spastic ataxia 2. Last evaluated: 2022-06-04. Review status: criteria provided, single submitter. Criteria: Invitae Variant Classification Sherloc (09022015). Collection method: clinical testing. Allele origin: germline.
Comment: This sequence change replaces proline, which is neutral and non-polar, with leucine, which is neutral and non-polar, at codon 1000 of the KIF1C protein (p.Pro1000Leu). This variant is present in population databases (rs267604960, gnomAD 0.009%). This variant has not been reported in the literature in individuals affected with KIF1C-related conditions. ClinVar contains an entry for this variant (Variation ID: 80584). Algorithms developed to predict the effect of missense changes on protein structure and function output the following: SIFT: "Deleterious"; PolyPhen-2: "Benign"; Align-GVGD: "Class C0". The leucine amino acid residue is found in multiple mammalian species, which suggests that this missense change does not adversely affect protein function. In summary, the available evidence is currently insufficient to determine the role of this variant in disease. Therefore, it has been classified as a Variant of Uncertain Significance.